The following is an entry in ClinVar:

ClinVar aggregate classification (germline): Likely pathogenic. Review status: criteria provided, single submitter (1 of 4 stars). 2 submissions from 2 submitters: Likely pathogenic (1). 1 of the submissions does not count toward it. Last evaluated 2025-11-28.

Conditions:
Ehlers-Danlos syndrome, type 4 (EDSVASC). Also called: Ehlers-Danlos syndrome vascular type; Ehlers Danlos syndrome, ecchymotic type; Ehlers Danlos syndrome, arterial type; Ehlers Danlos syndrome, Sack-Barabas type; Ehlers-Danlos Syndrome Type IV. Identifiers: Orphanet 286, MedGen C0268338, MONDO:0017314, OMIM 130050.

Submissions (2):

Labcorp Genetics (formerly Invitae), Labcorp
Classification: Likely pathogenic for Ehlers-Danlos syndrome, type 4. Last evaluated: 2025-11-28. Review status: criteria provided, single submitter. Criteria: Invitae Variant Classification Sherloc (09022015). Collection method: clinical testing. Allele origin: germline.
Comment: This sequence change replaces glycine, which is neutral and non-polar, with aspartic acid, which is acidic and polar, at codon 900 of the COL3A1 protein (p.Gly900Asp). This variant is not present in population databases (gnomAD no frequency). This missense change has been observed in individual(s) with COL3A1-related conditions (PMID: 10706896). ClinVar contains an entry for this variant (Variation ID: 101313). Invitae Evidence Modeling of protein sequence and biophysical properties (such as structural, functional, and spatial information, amino acid conservation, physicochemical variation, residue mobility, and thermodynamic stability) indicates that this missense variant is expected to disrupt COL3A1 protein function with a positive predictive value of 95%. This variant disrupts the triple helix domain of COL3A1. Glycine residues within the Gly-Xaa-Yaa repeats of the triple helix domain are required for the structure and stability of fibrillar collagens (PMID: 7695699, 8218237, 19344236). In COL3A1, variants that affect these glycine residues are significantly enriched in individuals with disease (PMID: 24922459, 25758994) compared to the general population (ExAC). In summary, the currently available evidence indicates that the variant is pathogenic, but additional data are needed to prove that conclusively. Therefore, this variant has been classified as Likely Pathogenic.

Collagen Diagnostic Laboratory, University of Washington
Classification: Pathogenic for Ehlers-Danlos syndrome, type 4. Review status: no assertion criteria provided. Collection method: clinical testing. Allele origin: germline. Affected: yes. Not counted in ClinVar's aggregate classification.

Literature cited by the submitters: PubMed 10706896 (cited by Labcorp Genetics (formerly Invitae), Labcorp and Collagen Diagnostic Laboratory, University of Washington); PubMed 7695699 (cited by Labcorp Genetics (formerly Invitae), Labcorp); PubMed 8218237 (cited by Labcorp Genetics (formerly Invitae), Labcorp); PubMed 19344236 (cited by Labcorp Genetics (formerly Invitae), Labcorp); PubMed 24922459 (cited by Labcorp Genetics (formerly Invitae), Labcorp); PubMed 25758994 (cited by Labcorp Genetics (formerly Invitae), Labcorp).

NM_000090.4(COL3A1):c.2699G>A (p.Gly900Asp)

Gene: COL3A1 (collagen type III alpha 1 chain; plus strand). Cytogenetic location: 2q32.2.
Variant type: single nucleotide variant.
Coding change: c.2699G>A on transcript NM_000090.4 (MANE Select); coding-DNA position 2699, G replaced by A.
Protein change: p.Gly900Asp; replaces glycine 900 with aspartic acid.
Molecular consequence: missense variant.
Genome position (GRCh38, 1-based): chr2:189,004,019, G>A. VCF-style: chr2-189004019-G-A. GRCh37 (hg19) VCF-style: chr2-189868745-G-A.
Identifiers: ClinVar variation 101313 (VCV000101313.3), dbSNP rs587779599, ClinGen allele CA005611.